The following is an entry in ClinVar:

ClinVar aggregate classification (germline): Conflicting classifications of pathogenicity. Review status: criteria provided, conflicting classifications (1 of 4 stars). 7 submissions from 7 submitters: Uncertain significance (2); Likely benign (4). 1 of the submissions does not count toward it. Last evaluated 2026-01-24.

Conditions:
Retinal dystrophy. Also called: Inherited retinal dystrophy. Identifiers: Orphanet 71862, MedGen C0854723, MeSH D058499, MONDO:0019118, HP:0000556.
Retinitis pigmentosa 25 (RP25). Identifiers: Orphanet 791, MedGen C1864446, MONDO:0011272, OMIM 602772.
EYS-related disorder. Also called: EYS-related condition.
Retinitis pigmentosa (RP). Identifiers: Orphanet 791, MedGen C0035334, MeSH D012174, MONDO:0019200, OMIM 268000. Inheritance: Autosomal dominant, autosomal recessive and X linked inheritance.

Allele frequency attached by ClinVar (database versions not stated): gnomAD exomes 0.00012 and 0.00042; ExAC 0.00020; gnomAD 0.00034 and 0.00035; TOPMed 0.00034; 1000 Genomes Project 0.00060; 1000 Genomes Project 30x 0.00078.
gnomAD v4.1: 227 of 1,551,326 alleles (0.015%); highest among the groups gnomAD compares: East Asian, 0.15%; 1 homozygote.

Submissions (7):

Labcorp Genetics (formerly Invitae), Labcorp
Classification: Likely benign. Last evaluated: 2026-01-24. Review status: criteria provided, single submitter. Criteria: Invitae Variant Classification Sherloc (09022015). Collection method: clinical testing. Allele origin: germline.

Blueprint Genetics
Classification: Likely benign. Last evaluated: 2024-10-28. Review status: criteria provided, single submitter. Criteria: ACMG Guidelines, 2015. Collection method: clinical testing. Allele origin: germline.

PreventionGenetics, part of Exact Sciences
Classification: Likely benign for EYS-related condition. Last evaluated: 2024-10-28. Review status: criteria provided, single submitter. Criteria: ACMG Guidelines, 2015. Collection method: clinical testing. Allele origin: germline.
Comment: This variant is classified as likely benign based on ACMG/AMP sequence variant interpretation guidelines (Richards et al. 2015 PMID: 25741868, with internal and published modifications).

Dept Of Ophthalmology, Nagoya University
Classification: Likely benign for Retinal dystrophy. Last evaluated: 2023-10-01. Review status: criteria provided, single submitter. Criteria: Submitter's publication. Collection method: research. Allele origin: germline. Affected: yes.

Institute of Human Genetics, Univ. Regensburg, Univ. Regensburg
Classification: Uncertain significance for Retinal dystrophy. Last evaluated: 2019-01-01. Review status: criteria provided, single submitter. Criteria: ACMG Guidelines, 2015. Collection method: clinical testing. Allele origin: germline. Affected: yes.

Illumina Laboratory Services, Illumina
Classification: Uncertain significance for Retinitis pigmentosa. Last evaluated: 2017-04-27. Review status: criteria provided, single submitter. Criteria: ICSL Variant Classification Criteria 13 December 2019. Collection method: clinical testing. Allele origin: germline.

Natera, Inc.
Classification: Uncertain significance for Retinitis pigmentosa type 25. Last evaluated: 2020-12-16. Review status: no assertion criteria provided. Collection method: clinical testing. Allele origin: germline. Not counted in ClinVar's aggregate classification.

Literature cited by the submitters: PubMed 31054281 (cited by Institute of Human Genetics, Univ. Regensburg, Univ. Regensburg).

NM_001142800.2(EYS):c.4363A>G (p.Ile1455Val)

Gene: EYS (EGF-like photoreceptor maintenance factor; minus strand). Cytogenetic location: 6q12.
Variant type: single nucleotide variant.
Coding change: c.4363A>G on transcript NM_001142800.2 (MANE Select); coding-DNA position 4363, A replaced by G.
Protein change: p.Ile1455Val; replaces isoleucine 1455 with valine.
Molecular consequence: missense variant.
Genome position (GRCh38, 1-based): chr6:64,591,504, T>C on the plus strand (A>G on the coding strand, the complement: EYS is on the minus strand). VCF-style: chr6-64591504-T-C. GRCh37 (hg19) VCF-style: chr6-65301397-T-C.
Other names: c.4363A>G, p.Ile1455Val (NM_001292009.2); short protein forms I1455V.
Identifiers: ClinVar variation 909837 (VCV000909837.17), dbSNP rs183144150, ClinGen allele CA3877087.